The following is an entry in ClinVar:

NM_004333.6(BRAF):c.1694+14G>A

Gene: BRAF (B-Raf proto-oncogene, serine/threonine kinase; minus strand). Cytogenetic location: 7q34.
Variant type: single nucleotide variant.
Coding change: c.1694+14G>A on transcript NM_004333.6 (MANE Select); 14 bases into the intron after coding-DNA position 1694, G replaced by A.
Molecular consequence: intron variant.
Genome position (GRCh38, 1-based): chr7:140,776,898, C>T on the plus strand (G>A on the coding strand, the complement: BRAF is on the minus strand). VCF-style: chr7-140776898-C-T. GRCh37 (hg19) VCF-style: chr7-140476698-C-T.
Other names: c.1694+14G>A (NM_001378474.1, NM_001378468.1, NM_001354609.2); c.1592+14G>A (NM_001378470.1); c.1430+14G>A (NM_001378475.1); c.1583+14G>A (NM_001378471.1); c.1814+14G>A (NM_001374258.1, NM_001374244.1); c.1703+14G>A (NM_001378467.1); c.1538+14G>A (NM_001378472.1, NM_001378473.1); c.1628+14G>A (NM_001378469.1).
Identifiers: ClinVar variation 44809 (VCV000044809.18), dbSNP rs184144181, ClinGen allele CA135091.

ClinVar aggregate classification (germline): Conflicting classifications of pathogenicity. Review status: criteria provided, conflicting classifications (1 of 4 stars). 8 submissions from 7 submitters: Uncertain significance (1); Benign (5); Likely benign (2). Last evaluated 2026-02-01.

Conditions:
RASopathy. Also called: rasopathies; Noonan spectrum disorder. Identifiers: Orphanet 536391, MedGen C5555857, MONDO:0021060.
Noonan syndrome 7 (NS7). Also called: BRAF-Related Noonan Syndrome. Identifiers: Orphanet 648, MedGen C3150970, MONDO:0013379, OMIM 613706.
LEOPARD syndrome 3 (LPRD3). Identifiers: Orphanet 500, MedGen C3150971, MONDO:0013380, OMIM 613707.

Allele frequency attached by ClinVar (database versions not stated): gnomAD 0.00003 and 0.00010; TOPMed 0.00010; ESP Exome Variant Server 0.00015; gnomAD exomes 0.00015 and 0.00029; ExAC 0.00030; 1000 Genomes Project 0.00080; 1000 Genomes Project 30x 0.00094.
gnomAD v4.1: 242 of 1,608,754 alleles (0.015%); highest among the groups gnomAD compares: South Asian, 0.15%; 2 homozygotes.

Submissions (8):

Labcorp Genetics (formerly Invitae), Labcorp
Classification: Benign for RASopathy. Last evaluated: 2026-02-01. Review status: criteria provided, single submitter. Criteria: Invitae Variant Classification Sherloc (09022015). Collection method: clinical testing. Allele origin: germline.

ARUP Laboratories, Molecular Genetics and Genomics, ARUP Laboratories
Classification: Benign. Last evaluated: 2025-03-26. Review status: criteria provided, single submitter. Criteria: ARUP Molecular Germline Variant Investigation Process 2024. Collection method: clinical testing. Allele origin: germline.

Blueprint Genetics
Classification: Likely benign. Last evaluated: 2024-10-11. Review status: criteria provided, single submitter. Criteria: ACMG Guidelines, 2015. Collection method: clinical testing. Allele origin: germline.

Women's Health and Genetics/Laboratory Corporation of America, LabCorp
Classification: Benign. Last evaluated: 2020-06-01. Review status: criteria provided, single submitter. Criteria: LabCorp Variant Classification Summary - May 2015. Collection method: clinical testing. Allele origin: germline.
Comment: Variant summary: BRAF c.1694+14G>A alters a non-conserved nucleotide located close to a canonical splice site and therefore could affect mRNA splicing, leading to a significantly altered protein sequence. 4/4 computational tools predict no significant impact on normal splicing. However, these predictions have yet to be confirmed by functional studies. The variant allele was found at a frequency of 0.00029 in 251138 control chromosomes in the gnomAD database, including 1 homozygote. The observed variant frequency is approximately 114 fold of the estimated maximal expected allele frequency for a pathogenic variant in BRAF causing Noonan Syndrome And Related Conditions phenotype (2.5e-06), strongly suggesting that the variant is benign. To our knowledge, no occurrence of c.1694+14G>A in individuals affected with Noonan Syndrome And Related Conditions and no experimental evidence demonstrating its impact on protein function have been reported. Co-occurrence with a pathogenic variant has been reported (PTPN11 c.124A>G, p.Thr42Ala), providing supporting evidence for a benign role. One clinical diagnostic laboratory has submitted clinical-significance assessments for this variant to ClinVar after 2014 without evidence for independent evaluation and classified the variant as likely benign. Based on the evidence outlined above, the variant was classified as benign.

Illumina Laboratory Services, Illumina
Classification: Uncertain significance for Noonan syndrome 7. Last evaluated: 2018-01-12. Review status: criteria provided, single submitter. Criteria: ICSL Variant Classification Criteria 13 December 2019. Collection method: clinical testing. Allele origin: germline.

Illumina Laboratory Services, Illumina
Classification: Benign for LEOPARD syndrome 3. Last evaluated: 2018-01-12. Review status: criteria provided, single submitter. Criteria: ICSL Variant Classification Criteria 13 December 2019. Collection method: clinical testing. Allele origin: germline.
Comment: This variant was observed in the ICSL laboratory as part of a predisposition screen in an ostensibly healthy population. It had not been previously curated by ICSL or reported in the Human Gene Mutation Database (HGMD: prior to June 1st, 2018), and was therefore a candidate for classification through an automated scoring system. Utilizing variant allele frequency, disease prevalence and penetrance estimates, and inheritance mode, an automated score was calculated to assess if this variant is too frequent to cause the disease. Based on the score and internal cut-off values, a variant classified as benign is not then subjected to further curation. The score for this variant resulted in a classification of benign for this disease.

GeneDx
Classification: Benign. Last evaluated: 2014-05-29. Review status: criteria provided, single submitter. Criteria: GeneDx Variant Classification (06012015). Collection method: clinical testing. Allele origin: germline. Affected: yes.
Comment: This variant is considered likely benign or benign based on one or more of the following criteria: it is a conservative change, it occurs at a poorly conserved position in the protein, it is predicted to be benign by multiple in silico algorithms, and/or has population frequency not consistent with disease.

Laboratory for Molecular Medicine, Mass General Brigham Personalized Medicine
Classification: Likely benign. Last evaluated: 2012-08-16. Review status: criteria provided, single submitter. Criteria: LMM Criteria. Collection method: clinical testing. Allele origin: germline. Observed: 1 variant allele.
Comment: c.1694+14G>A in Intron 13 of BRAF: This variant is not expected to have clinical significance because it is not located within the splice consensus sequence. It has been identified in 2/7020 European American chromosomes from a broad popula tion by the NHLBI Exome Sequencing Project.

Literature cited by the submitters: PubMed 24920063 (cited by Women's Health and Genetics/Laboratory Corporation of America, LabCorp).